The following is an entry in ClinVar:

ClinVar aggregate classification (germline): Uncertain significance (1 of 4 stars; one submission).

Conditions:
Rhabdoid tumor predisposition syndrome 2 (RTPS2). Identifiers: Orphanet 231108, Orphanet 69077, MedGen C2750074, MONDO:0013224, OMIM 613325.

Submission:

Labcorp Genetics (formerly Invitae), Labcorp
Classification: Uncertain significance for Rhabdoid tumor predisposition syndrome 2. Last evaluated: 2023-10-16. Review status: criteria provided, single submitter. Criteria: Invitae Variant Classification Sherloc (09022015). Collection method: clinical testing. Allele origin: germline.
Comment: This sequence change affects codon 587 of the SMARCA4 mRNA. It is a 'silent' change, meaning that it does not change the encoded amino acid sequence of the SMARCA4 protein. This variant also falls at the last nucleotide of exon 10, which is part of the consensus splice site for this exon. This variant is not present in population databases (gnomAD no frequency). This variant has not been reported in the literature in individuals affected with SMARCA4-related conditions. Variants that disrupt the consensus splice site are a relatively common cause of aberrant splicing (PMID: 17576681, 9536098). Studies have shown that this variant results in activation of a cryptic splice site and introduces a premature termination codon (Invitae). The resulting mRNA is expected to undergo nonsense-mediated decay. In summary, the available evidence is currently insufficient to determine the role of this variant in disease. Therefore, it has been classified as a Variant of Uncertain Significance.

Literature cited by the submitters: PubMed 17576681; PubMed 9536098.

NM_003072.5(SMARCA4):c.1761G>A (p.Lys587=)

Gene: SMARCA4 (SWI/SNF related BAF chromatin remodeling complex subunit ATPase 4; plus strand). Cytogenetic location: 19p13.2.
Variant type: single nucleotide variant.
Coding change: c.1761G>A on transcript NM_003072.5 (MANE Select); coding-DNA position 1761, G replaced by A.
Protein change: p.Lys587=; no amino-acid change (lysine 587 retained).
Molecular consequence: synonymous variant. On other transcripts: non-coding transcript variant (1).
Genome position (GRCh38, 1-based): chr19:10,996,380, G>A. VCF-style: chr19-10996380-G-A. GRCh37 (hg19) VCF-style: chr19-11107056-G-A.
Other names: c.1761G>A, p.Lys587= (NM_001128844.3, NM_001128845.2, NM_001128846.2 and 6 more transcripts).
Identifiers: ClinVar variation 2769071 (VCV002769071.3), dbSNP rs2145974599, ClinGen allele CA505744193.
Genomic context (GRCh38, chr19:10,996,380, plus strand): 5'-GGTGCGGCAGCACAAGGCTGCCCAGGTCGCCAAGGAGAAAAAGAAGAAAAAGAAAAAGAA[G>A]GTGTGCTGGGCCTGGCATGGTGCCCGCCGCGGGTGGGATGGGAGCAGCCGTCTTCACGTG-3'
Protein context (NP_003063.2, residues 577-597): AKEKKKKKKK[Lys587=]KAENAEGQTP